The following is an entry in ClinVar:

NM_005555.4(KRT6B):c.835A>T (p.Met279Leu)

Gene: KRT6B (keratin 6B; minus strand). Cytogenetic location: 12q13.13.
Variant type: single nucleotide variant.
Coding change: c.835A>T on transcript NM_005555.4 (MANE Select); coding-DNA position 835, A replaced by T.
Protein change: p.Met279Leu; replaces methionine 279 with leucine.
Molecular consequence: missense variant.
Genome position (GRCh38, 1-based): chr12:52,449,835, T>A on the plus strand (A>T on the coding strand, the complement: KRT6B is on the minus strand). VCF-style: chr12-52449835-T-A. GRCh37 (hg19) VCF-style: chr12-52843619-T-A.
Other names: short protein forms M279L.
Identifiers: ClinVar variation 744374 (VCV000744374.7), dbSNP rs140303040, ClinGen allele CA6580649.

ClinVar aggregate classification (germline): Likely benign. Review status: criteria provided, single submitter (1 of 4 stars). 2 submissions from 2 submitters: Likely benign (1). 1 of the submissions does not count toward it. Last evaluated 2024-09-21.

Conditions:
KRT6B-related disorder. Also called: KRT6B-related condition.

Allele frequency attached by ClinVar (database versions not stated): 1000 Genomes Project 30x 0.00016; ESP Exome Variant Server 0.00092; 1000 Genomes Project 0.00020; ExAC 0.00021; TOPMed 0.00066; gnomAD 0.00065 and 0.00073.
gnomAD v4.1: 180 of 1,614,002 alleles (0.011%); highest among the groups gnomAD compares: African/African-American, 0.21%; no homozygotes.

Submissions (2):

Labcorp Genetics (formerly Invitae), Labcorp
Classification: Likely benign. Last evaluated: 2024-09-21. Review status: criteria provided, single submitter. Criteria: Invitae Variant Classification Sherloc (09022015). Collection method: clinical testing. Allele origin: germline.

PreventionGenetics, part of Exact Sciences
Classification: Likely benign for KRT6B-related condition. Last evaluated: 2020-09-25. Review status: no assertion criteria provided. Collection method: clinical testing. Allele origin: germline. Not counted in ClinVar's aggregate classification.
Comment: This variant is classified as likely benign based on ACMG/AMP sequence variant interpretation guidelines (Richards et al. 2015 PMID: 25741868, with internal and published modifications).